The following is an entry in ClinVar:

NM_001382567.1(STIM1):c.1592G>A (p.Arg531Gln)

Gene: STIM1 (stromal interaction molecule 1; plus strand). Cytogenetic location: 11p15.4.
Variant type: single nucleotide variant.
Coding change: c.1592G>A on transcript NM_001382567.1 (MANE Select); coding-DNA position 1592, G replaced by A.
Protein change: p.Arg531Gln; replaces arginine 531 with glutamine.
Molecular consequence: missense variant. On other transcripts: non-coding transcript variant (3).
Genome position (GRCh38, 1-based): chr11:4,086,501, G>A. VCF-style: chr11-4086501-G-A. GRCh37 (hg19) VCF-style: chr11-4107731-G-A.
Other names: c.1499G>A, p.Arg500Gln (NM_001277961.3, NM_001277962.2, NM_003156.4); c.1277G>A, p.Arg426Gln (NM_001382566.1, NM_001382575.1, NM_001382576.1 and 3 more transcripts); c.1520G>A, p.Arg507Gln (NM_001382568.1); c.1364G>A, p.Arg455Gln (NM_001382569.1); c.1271G>A, p.Arg424Gln (NM_001382570.1); c.1019G>A, p.Arg340Gln (NM_001382571.1); c.1010G>A, p.Arg337Gln (NM_001382580.1, NM_001382581.1); short protein forms R337Q, R340Q, R500Q, R424Q, R531Q, R426Q, R455Q, R507Q.
Identifiers: ClinVar variation 2947491 (VCV002947491.3), dbSNP rs760242778, ClinGen allele CA5830511.

ClinVar aggregate classification (germline): Uncertain significance (1 of 4 stars; one submission).

Conditions:
Stormorken syndrome (STRMK). Also called: THROMBOCYTOPATHY, ASPLENIA, AND MIOSIS. Identifiers: Orphanet 3204, MedGen C1861451, MONDO:0008497, OMIM 185070.
Combined immunodeficiency due to STIM1 deficiency. Also called: IMMUNODEFICIENCY 10; STIM1 DEFICIENCY. Identifiers: Orphanet 169090, Orphanet 317430, MedGen C2748557, MONDO:0013008, OMIM 612783.
Myopathy with tubular aggregates (TAM). Also called: Tubular Aggregate Myopathy. Identifiers: Orphanet 2593, MedGen C0410207, MONDO:0008051.

Allele frequency attached by ClinVar (database versions not stated): gnomAD 0.00001; TOPMed 0.00001; ExAC 0.00002.
gnomAD v4.1: 7 of 1,613,960 alleles (0.00043%); highest among the groups gnomAD compares: East Asian, 0.0022%; no homozygotes.

Submission:

Labcorp Genetics (formerly Invitae), Labcorp
Classification: Uncertain significance for Myopathy with tubular aggregates; Combined immunodeficiency due to STIM1 deficiency; Stormorken syndrome. Last evaluated: 2024-01-14. Review status: criteria provided, single submitter. Criteria: Invitae Variant Classification Sherloc (09022015). Collection method: clinical testing. Allele origin: germline.
Comment: This sequence change replaces arginine, which is basic and polar, with glutamine, which is neutral and polar, at codon 500 of the STIM1 protein (p.Arg500Gln). This variant is present in population databases (rs760242778, gnomAD 0.006%). This variant has not been reported in the literature in individuals affected with STIM1-related conditions. Advanced modeling of protein sequence and biophysical properties (such as structural, functional, and spatial information, amino acid conservation, physicochemical variation, residue mobility, and thermodynamic stability) has been performed at Invitae for this missense variant, however the output from this modeling did not meet the statistical confidence thresholds required to predict the impact of this variant on STIM1 protein function. In summary, the available evidence is currently insufficient to determine the role of this variant in disease. Therefore, it has been classified as a Variant of Uncertain Significance.